The following is an entry in ClinVar:

ClinVar aggregate classification (germline): Uncertain significance (1 of 4 stars; one submission).

Submission:

Labcorp Genetics (formerly Invitae), Labcorp
Classification: Uncertain significance. Last evaluated: 2025-12-24. Review status: criteria provided, single submitter. Criteria: Invitae Variant Classification Sherloc (09022015). Collection method: clinical testing. Allele origin: germline.
Comment: This sequence change replaces arginine, which is basic and polar, with serine, which is neutral and polar, at codon 101 of the TRPC6 protein (p.Arg101Ser). This variant is not present in population databases (gnomAD no frequency). This variant has not been reported in the literature in individuals affected with TRPC6-related conditions. Invitae Evidence Modeling of protein sequence and biophysical properties (such as structural, functional, and spatial information, amino acid conservation, physicochemical variation, residue mobility, and thermodynamic stability) indicates that this missense variant is not expected to disrupt TRPC6 protein function with a negative predictive value of 95%. In summary, the available evidence is currently insufficient to determine the role of this variant in disease. Therefore, it has been classified as a Variant of Uncertain Significance.

NM_004621.6(TRPC6):c.301C>A (p.Arg101Ser)

Gene: TRPC6 (transient receptor potential cation channel subfamily C member 6; minus strand). Cytogenetic location: 11q22.1.
Variant type: single nucleotide variant.
Coding change: c.301C>A on transcript NM_004621.6 (MANE Select); coding-DNA position 301, C replaced by A.
Protein change: p.Arg101Ser; replaces arginine 101 with serine.
Molecular consequence: missense variant.
Genome position (GRCh38, 1-based): chr11:101,504,668, G>T on the plus strand (C>A on the coding strand, the complement: TRPC6 is on the minus strand). VCF-style: chr11-101504668-G-T. GRCh37 (hg19) VCF-style: chr11-101375399-G-T.
Other names: c.301C>A, p.Arg101Ser (NM_001439335.1); short protein forms R101S.
Identifiers: ClinVar variation 4773641 (VCV004773641.1).